The following is an entry in ClinVar:

NM_170707.4(LMNA):c.1262T>C (p.Leu421Pro)

Gene: LMNA (lamin A/C; plus strand). Cytogenetic location: 1q22.
Variant type: single nucleotide variant.
Coding change: c.1262T>C on transcript NM_170707.4 (MANE Select); coding-DNA position 1262, T replaced by C.
Protein change: p.Leu421Pro; replaces leucine 421 with proline.
Molecular consequence: missense variant.
Genome position (GRCh38, 1-based): chr1:156,136,318, T>C. VCF-style: chr1-156136318-T-C. GRCh37 (hg19) VCF-style: chr1-156106109-T-C.
Other names: c.926T>C, p.Leu309Pro (NM_001257374.3); c.1019T>C, p.Leu340Pro (NM_001282624.2); c.1262T>C, p.Leu421Pro (NM_001282625.2, NM_001282626.2, NM_005572.4 and 1 more transcripts); short protein forms L421P, L309P, L340P.
Identifiers: ClinVar variation 66798 (VCV000066798.26), dbSNP rs267607564, ClinGen allele CA016923.
Genomic context (GRCh38, chr1:156,136,318, plus strand): 5'-GTGCTTCCTCTCACTCATCCCAGACACAGGGTGGGGGCAGCGTCACCAAAAAGCGCAAAC[T>C]GGAGTCCACTGAGAGCCGCAGCAGCTTCTCACAGCACGCACGCACTAGCGGGCGCGTGGC-3'
Protein context (NP_733821.1, residues 411-431): GGGSVTKKRK[Leu421Pro]ESTESRSSFS

ClinVar aggregate classification (germline): Conflicting classifications of pathogenicity. Review status: criteria provided, conflicting classifications (1 of 4 stars). 10 submissions from 10 submitters: Likely pathogenic (1); Uncertain significance (8). 1 of the submissions does not count toward it. Last evaluated 2026-10-03.

Conditions:
Cardiovascular phenotype. Identifiers: MedGen CN230736.
Laminopathy. Also called: Laminopathies. Identifiers: Orphanet 98301, MedGen C5392094, MONDO:0021106.
Charcot-Marie-Tooth disease type 2. Also called: Charcot-Marie-Tooth type 2. Identifiers: Orphanet 64746, MedGen C0270914, MONDO:0018993.
Cardiomyopathy (CMYO). Also called: Cardiomyopathies. Identifiers: Orphanet 167848, MedGen C0878544, MONDO:0004994, HP:0001638. Inheritance: Various modes of inheritance.
Primary dilated cardiomyopathy (DCM). Also called: Dilated Cardiomyopathy. Identifiers: Orphanet 217604, MedGen C0007193, MeSH D002311, MONDO:0005021, HP:0001644. Inheritance: Various modes of inheritance.

Allele frequency attached by ClinVar (database versions not stated): TOPMed below 0.00001; ExAC 0.00001; gnomAD exomes 0.00001 and below 0.00001; gnomAD 0.00001.
gnomAD v4.1: 8 of 1,612,104 alleles (0.0005%); highest among the groups gnomAD compares: Admixed American, 0.0017%; no homozygotes.

Submissions 1 to 6 of 10:

GeneDx
Classification: Likely pathogenic. Last evaluated: 2026-10-03. Review status: criteria provided, single submitter. Criteria: GeneDx Variant Classification Process June 2021. Collection method: clinical testing. Allele origin: germline.
Comment: Identified in the heterozygous state a patient with obesity, diabetes, hypertension, left ventricular hypertrophy, and muscle pain and weakness in published literature (PMID: 17711925); Functional assays have contradictory findings on the effect of p.(L421P) on lamin A nucleus import in cell lines, and suggest impairment of morphological and physiological features in patient cells, although quantitative analysis of lamin A expression was not described (PMID: 17612587, 23977161, 24943589); In silico analysis supports that this missense variant has a deleterious effect on protein structure/function; Not observed at significant frequency in large population cohorts (gnomAD); This variant is associated with the following publications: (PMID: 38972501, 23977161, 24943589, 32376792, 23853504, 17612587, 36354755, 37250905, 37843397, 24623722, 32413188, 31383942, 39481677, 10939567, 41165919, 17711925)

Labcorp Genetics (formerly Invitae), Labcorp
Classification: Uncertain significance for Charcot-Marie-Tooth disease type 2. Last evaluated: 2026-01-25. Review status: criteria provided, single submitter. Criteria: Invitae Variant Classification Sherloc (09022015). Collection method: clinical testing. Allele origin: germline.
Comment: This sequence change replaces leucine, which is neutral and non-polar, with proline, which is neutral and non-polar, at codon 421 of the LMNA protein (p.Leu421Pro). This variant is present in population databases (rs267607564, gnomAD 0.002%). This missense change has been observed in individual(s) with clinical features of LMNA-related conditions (PMID: 17711925, 32376792, 32413188). ClinVar contains an entry for this variant (Variation ID: 66798). Invitae Evidence Modeling of protein sequence and biophysical properties (such as structural, functional, and spatial information, amino acid conservation, physicochemical variation, residue mobility, and thermodynamic stability) indicates that this missense variant is expected to disrupt LMNA protein function with a positive predictive value of 95%. Experimental studies have shown that this missense change affects LMNA function (PMID: 17612587, 23977161, 24943589). In summary, the available evidence is currently insufficient to determine the role of this variant in disease. Therefore, it has been classified as a Variant of Uncertain Significance.

Victorian Clinical Genetics Services, Murdoch Childrens Research Institute
Classification: Uncertain significance for Laminopathy. Last evaluated: 2025-02-03. Review status: criteria provided, single submitter. Criteria: ACMG Guidelines, 2015. Collection method: clinical testing. Allele origin: germline. Affected: yes.
Comment: This variant is classified as VUS-3A. Evidence in support of pathogenic classification: Variant is present in gnomAD <0.01 (v4: 8 heterozygote(s), 0 homozygote(s)) ; Missense variant predicted to be damaging by in silico tool(s) or highly conserved with a major amino acid change. Additional information: Variant is predicted to result in a missense amino acid change from leucine to proline; This variant is heterozygous; This gene is associated with both recessive and dominant disease (OMIM); Previous evidence of pathogenicity for this variant is inconclusive. This variant has been classified as a VUS by multiple clinical laboratories, as well as one likely pathogenic entry (ClinVar). This variant has been reported in multiple unrelated individuals with obesity, diabetes, hypertension, left ventricular hypertrophy, lower limb weakness, and/or myopathy (PMID: 17711925, 39481677, 32413188). This variant has also been reported in an individual with Ehlers-Danlos syndrome and six individuals without dilated cardiomyopathy or chronic kidney disease (PMID: 38534782; 31383942); Functional evidence for this variant is inconclusive. Experiments using human fibroblasts showed this variant resulted in nuclear shape abnormalities and reduced proliferative activity, increased oxidative stress and prelamin A accumulation, and resulted in premature cellular senescence (PMID: 17612587). Further functional studies have shown this variant does not alter LMNA protein localisation (PMID: 23977161, 17711925); however, immunofluorescence in HeLa cells showed that this variant resulted in significantly reduced prelamin A nuclear accumulation (PMID: 24943589); No comparable missense variants have previous evidence for pathogenicity; Variant is located in the annotated nuclear localisation signal motif (DECIPHER); Dominant negative, loss of function and gain of function are known mechanisms of disease in this gene. Some missense variants have been reported to result in a toxic gain of function or dominant negative and are associated with childhood-onset disease or skeletal muscle involvement, while other variants have been reported to result in a loss of function and haploinsufficiency, and are associated with adult-onset disease, cardiac disorders or myopathy (PMID: 17377071); The condition associated with this gene has incomplete penetrance (PMID: 20301609); Variants in this gene are known to have variable expressivity (OMIM).

Ambry Genetics
Classification: Uncertain significance for Cardiovascular phenotype. Last evaluated: 2024-11-26. Review status: criteria provided, single submitter. Criteria: Ambry Variant Classification Scheme 2023. Collection method: clinical testing. Allele origin: germline.
Comment: The p.L421P variant (also known as c.1262T>C), located in coding exon 7 of the LMNA gene, results from a T to C substitution at nucleotide position 1262. The leucine at codon 421 is replaced by proline, an amino acid with similar properties. This alteration was detected in an individual from a metabolic syndrome cohort with central obesity, diabetes, hypertension and left ventricular hypertrophy (Decaudain A et al. J Clin Endocrinol Metab. 2007;92:4835-44). Limited functional studies have suggested this variant may result in mild defects in lamin A intranuclear localization (Decaudain A et al. J Clin Endocrinol Metab. 2007;92:4835-44; Yang L et al. PLoS ONE. 2013;8:e71850; Kiel T et al. Int J Biochem Cell Biol. 2014;53:271-80). This amino acid position is not well conserved in available vertebrate species. In addition, this alteration is predicted to be deleterious by in silico analysis. Based on the available evidence, the clinical significance of this variant remains unclear.

Blueprint Genetics
Classification: Uncertain significance. Last evaluated: 2024-09-14. Review status: criteria provided, single submitter. Criteria: ACMG Guidelines, 2015. Collection method: clinical testing. Allele origin: germline.

All of Us Research Program, National Institutes of Health
Classification: Uncertain significance for Primary dilated cardiomyopathy. Last evaluated: 2023-11-02. Review status: criteria provided, single submitter. Criteria: ACMG Guidelines, 2015. Collection method: clinical testing. Allele origin: germline. Inheritance: Autosomal dominant inheritance. Observed: 3 variant alleles, 3 heterozygotes.
Comment: This missense variant replaces leucine with proline at codon 421 of the lamin A/C proteins. Computational prediction suggests that this variant may have deleterious impact on protein structure and function (internally defined REVEL score threshold >= 0.7, PMID: 27666373). Experimental studies have shown that this variant causes accumulation of prelamin A and nuclear shape abnormalities (PMID: 17612587) and impacts the interaction with nesprin-2 (PMID: 23977161). However, clinical relevance of these observations is not clear. This variant has been reported in an individual affected with severe metabolic syndrome (PMID: 17711925), in an individual with laminopathy with musculoskeletal and metabolic phenotype (PMID: 23853504), in an individual with laminopathy with cardiac and metabolic phenotype (PMID: 23853504), and in an individual with suspected Charcot-Marie-Tooth (PMID: 32376792). This variant has been identified in 3/282158 chromosomes in the general population by the Genome Aggregation Database (gnomAD). The available evidence is insufficient to determine the role of this variant in disease conclusively. Therefore, this variant is classified as a Variant of Uncertain Significance.

This study involves interpretation of variants in research participants for the purpose of population health screening. Participant phenotype was not available at the time of variant classification. Additional details can be found in publication PMID: 35346344, PMCID: PMC8962531